The following is an entry in ClinVar:

NM_000199.5(SGSH):c.1172A>G (p.Asn391Ser)

Gene: SGSH (N-sulfoglucosamine sulfohydrolase; minus strand). Cytogenetic location: 17q25.3.
Variant type: single nucleotide variant.
Coding change: c.1172A>G on transcript NM_000199.5 (MANE Select); coding-DNA position 1172, A replaced by G.
Protein change: p.Asn391Ser; replaces asparagine 391 with serine.
Molecular consequence: missense variant. On other transcripts: 3 prime UTR variant (2), non-coding transcript variant (1).
Genome position (GRCh38, 1-based): chr17:80,210,789, T>C on the plus strand (A>G on the coding strand, the complement: SGSH is on the minus strand). VCF-style: chr17-80210789-T-C. GRCh37 (hg19) VCF-style: chr17-78184588-T-C.
Other names: c.*259A>G (NM_001352921.3); c.*222A>G (NM_001352922.2); short protein forms N391S.
Identifiers: ClinVar variation 1415222 (VCV001415222.3), dbSNP rs2041614381, ClinGen allele CA401358997.

ClinVar aggregate classification (germline): Uncertain significance (1 of 4 stars; one submission).

Conditions:
Mucopolysaccharidosis, MPS-III-A (MPS3A). Also called: HEPARAN SULFATE SULFATASE DEFICIENCY; SANFILIPPO SYNDROME A; SULFAMIDASE DEFICIENCY; MPS III A; MPS IIIA (Sanfilippo Syndrome Type A); Mucopolysaccharidosis type IIIA (Sanfilippo A). Identifiers: Orphanet 581, Orphanet 79269, MedGen C0086647, MONDO:0009655, OMIM 252900.

Submission:

Labcorp Genetics (formerly Invitae), Labcorp
Classification: Uncertain significance for Mucopolysaccharidosis, MPS-III-A. Last evaluated: 2022-09-19. Review status: criteria provided, single submitter. Criteria: Invitae Variant Classification Sherloc (09022015). Collection method: clinical testing. Allele origin: germline.
Comment: This sequence change replaces asparagine, which is neutral and polar, with serine, which is neutral and polar, at codon 391 of the SGSH protein (p.Asn391Ser). This variant is not present in population databases (gnomAD no frequency). This variant has not been reported in the literature in individuals affected with SGSH-related conditions. ClinVar contains an entry for this variant (Variation ID: 1415222). Algorithms developed to predict the effect of missense changes on protein structure and function output the following: SIFT: "Tolerated"; PolyPhen-2: "Benign"; Align-GVGD: "Class C0". The serine amino acid residue is found in multiple mammalian species, which suggests that this missense change does not adversely affect protein function. Algorithms developed to predict the effect of sequence changes on RNA splicing suggest that this variant may create or strengthen a splice site. In summary, the available evidence is currently insufficient to determine the role of this variant in disease. Therefore, it has been classified as a Variant of Uncertain Significance.